The following is an entry in ClinVar:

ClinVar aggregate classification (germline): Uncertain significance (1 of 4 stars; one submission).

gnomAD v4.1: 1 of 1,614,240 alleles (0.000062%); highest among the groups gnomAD compares: Non-Finnish European, 0.000085%; no homozygotes.

Submission:

Ambry Genetics
Classification: Uncertain significance. Last evaluated: 2025-08-14. Review status: criteria provided, single submitter. Criteria: Ambry Variant Classification Scheme 2023. Collection method: clinical testing. Allele origin: germline.
Comment: The p.T1164I variant (also known as c.3491C>T), located in coding exon 13 of the CDK12 gene, results from a C to T substitution at nucleotide position 3491. The threonine at codon 1164 is replaced by isoleucine, an amino acid with similar properties. This amino acid position is conserved. In addition, this alteration is predicted to be tolerated by in silico analysis. Based on the available evidence, the clinical significance of this variant remains unclear.

NM_016507.4(CDK12):c.3491C>T (p.Thr1164Ile)

Gene: CDK12 (cyclin dependent kinase 12; plus strand). Cytogenetic location: 17q12.
Variant type: single nucleotide variant.
Coding change: c.3491C>T on transcript NM_016507.4 (MANE Select); coding-DNA position 3491, C replaced by T.
Protein change: p.Thr1164Ile; replaces threonine 1164 with isoleucine.
Molecular consequence: missense variant.
Genome position (GRCh38, 1-based): chr17:39,526,047, C>T. VCF-style: chr17-39526047-C-T. GRCh37 (hg19) VCF-style: chr17-37682300-C-T.
Other names: c.3491C>T, p.Thr1164Ile (NM_015083.4); short protein forms T1164I.
Identifiers: ClinVar variation 4224387 (VCV004224387.1).